The following is an entry in ClinVar:

ClinVar aggregate classification (germline): Uncertain significance. Review status: criteria provided, multiple submitters, no conflicts (2 of 4 stars). 3 submissions from 3 submitters: Uncertain significance (3). Last evaluated 2025-10-01.

Conditions:
FGF12-related disorder. Also called: FGF12-related condition.
Inborn genetic diseases. Identifiers: MedGen C0950123, MeSH D030342.

Allele frequency attached by ClinVar (database versions not stated): ExAC 0.00001; gnomAD exomes 0.00001 and 0.00002; TOPMed 0.00001.
gnomAD v4.1: 21 of 1,612,642 alleles (0.0013%); highest among the groups gnomAD compares: Non-Finnish European, 0.0017%; no homozygotes.

Submissions (3):

PreventionGenetics, part of Exact Sciences
Classification: Uncertain significance for FGF12-related condition. Last evaluated: 2025-10-01. Review status: criteria provided, single submitter. Criteria: ACMG Guidelines, 2015. Collection method: clinical testing. Allele origin: germline.
Comment: The FGF12 c.166A>G variant is predicted to result in the amino acid substitution p.Ser56Gly. To our knowledge, this variant has not been reported in the literature. This variant is reported in 0.0037% of alleles in individuals of European (non-Finnish) descent in gnomAD. At this time, the clinical significance of this variant is uncertain due to the absence of conclusive functional and genetic evidence.

Ambry Genetics
Classification: Uncertain significance for Inborn genetic diseases. Last evaluated: 2024-11-25. Review status: criteria provided, single submitter. Criteria: Ambry Variant Classification Scheme 2023. Collection method: clinical testing. Allele origin: germline.

Labcorp Genetics (formerly Invitae), Labcorp
Classification: Uncertain significance. Last evaluated: 2023-08-17. Review status: criteria provided, single submitter. Criteria: Invitae Variant Classification Sherloc (09022015). Collection method: clinical testing. Allele origin: germline.
Comment: ClinVar contains an entry for this variant (Variation ID: 1499299). This variant has not been reported in the literature in individuals affected with FGF12-related conditions. This variant is present in population databases (rs746726540, gnomAD 0.004%). This sequence change replaces serine, which is neutral and polar, with glycine, which is neutral and non-polar, at codon 56 of the FGF12 protein (p.Ser56Gly). In summary, the available evidence is currently insufficient to determine the role of this variant in disease. Therefore, it has been classified as a Variant of Uncertain Significance. Advanced modeling of protein sequence and biophysical properties (such as structural, functional, and spatial information, amino acid conservation, physicochemical variation, residue mobility, and thermodynamic stability) performed at Invitae indicates that this missense variant is not expected to disrupt FGF12 protein function.

NM_004113.6(FGF12):c.14-47520A>G

Gene: FGF12 (fibroblast growth factor 12; minus strand). Cytogenetic location: 3q28.
Variant type: single nucleotide variant.
Coding change: c.14-47520A>G on transcript NM_004113.6 (MANE Select); 47520 bases into the intron before coding-DNA position 14, A replaced by G.
Molecular consequence: intron variant. On other transcripts: missense variant (1).
Genome position (GRCh38, 1-based): chr3:192,408,058, T>C on the plus strand (A>G on the coding strand, the complement: FGF12 is on the minus strand). VCF-style: chr3-192408058-T-C. GRCh37 (hg19) VCF-style: chr3-192125847-T-C.
Other names: c.166A>G, p.Ser56Gly (NM_021032.5); c.-59-47520A>G (NM_001377293.1); c.14-72594A>G (NM_001377292.1); c.-60+1454A>G (NM_001377294.1); c.166A>G (NM_021032.4); short protein forms S56G.
Identifiers: ClinVar variation 1499299 (VCV001499299.8), dbSNP rs746726540, ClinGen allele CA2755885.